The following is an entry in ClinVar:

NM_006516.4(SLC2A1):c.769G>T (p.Val257Phe)

Gene: SLC2A1 (solute carrier family 2 member 1; minus strand). Cytogenetic location: 1p34.2.
Variant type: single nucleotide variant.
Coding change: c.769G>T on transcript NM_006516.4 (MANE Select); coding-DNA position 769, G replaced by T.
Protein change: p.Val257Phe; replaces valine 257 with phenylalanine.
Molecular consequence: missense variant.
Genome position (GRCh38, 1-based): chr1:42,929,691, C>A on the plus strand (G>T on the coding strand, the complement: SLC2A1 is on the minus strand). VCF-style: chr1-42929691-C-A. GRCh37 (hg19) VCF-style: chr1-43395362-C-A.
Other names: short protein forms V257F.
Identifiers: ClinVar variation 2858463 (VCV002858463.3), dbSNP rs755213963, ClinGen allele CA803455.
Genomic context (GRCh38, chr1:42,929,691, plus strand): 5'-CCACAGCGATGAGGATGGGCTGGCGGTAGGCGGGGGAGCGGAACAGCTCCAGGATGGTGA[C>A]CTTCTTCTCCCGCATCATCTGCCGACTCTCTTCCTTCATCTCCTGCAGGTCATGGGTCAC-3'
Protein context (NP_006507.2, residues 247-267): ESRQMMREKK[Val257Phe]TILELFRSPA

ClinVar aggregate classification (germline): Uncertain significance (1 of 4 stars; one submission).

Conditions:
GLUT1 deficiency syndrome 1, autosomal recessive. Identifiers: MedGen C3149117.

Allele frequency attached by ClinVar (database versions not stated): gnomAD exomes below 0.00001; ExAC 0.00001; gnomAD 0.00001.
gnomAD v4.1: 2 of 1,613,738 alleles (0.00012%); highest among the groups gnomAD compares: Non-Finnish European, 0.00017%; no homozygotes.

Submission:

Labcorp Genetics (formerly Invitae), Labcorp
Classification: Uncertain significance for GLUT1 deficiency syndrome 1, autosomal recessive. Last evaluated: 2023-04-22. Review status: criteria provided, single submitter. Criteria: Invitae Variant Classification Sherloc (09022015). Collection method: clinical testing. Allele origin: germline.
Comment: Advanced modeling of protein sequence and biophysical properties (such as structural, functional, and spatial information, amino acid conservation, physicochemical variation, residue mobility, and thermodynamic stability) performed at Invitae indicates that this missense variant is expected to disrupt SLC2A1 protein function. This variant has not been reported in the literature in individuals affected with SLC2A1-related conditions. In summary, the available evidence is currently insufficient to determine the role of this variant in disease. Therefore, it has been classified as a Variant of Uncertain Significance. This sequence change replaces valine, which is neutral and non-polar, with phenylalanine, which is neutral and non-polar, at codon 257 of the SLC2A1 protein (p.Val257Phe). This variant is present in population databases (rs755213963, gnomAD 0.002%).